The following is an entry in ClinVar:

ClinVar aggregate classification (germline): Uncertain significance (1 of 4 stars; one submission).

Allele frequency attached by ClinVar (database versions not stated): TOPMed below 0.00001.
gnomAD v4.1: 11 of 1,551,160 alleles (0.00071%); highest among the groups gnomAD compares: South Asian, 0.0012%; no homozygotes.

Submission:

Labcorp Genetics (formerly Invitae), Labcorp
Classification: Uncertain significance. Last evaluated: 2022-07-23. Review status: criteria provided, single submitter. Criteria: Invitae Variant Classification Sherloc (09022015). Collection method: clinical testing. Allele origin: germline.
Comment: In summary, the available evidence is currently insufficient to determine the role of this variant in disease. Therefore, it has been classified as a Variant of Uncertain Significance. Algorithms developed to predict the effect of missense changes on protein structure and function are either unavailable or do not agree on the potential impact of this missense change (SIFT: "Deleterious"; PolyPhen-2: "Possibly Damaging"; Align-GVGD: "Class C0"). This variant has not been reported in the literature in individuals affected with TET2-related conditions. This variant is present in population databases (no rsID available, gnomAD 0.02%). This sequence change replaces serine, which is neutral and polar, with alanine, which is neutral and non-polar, at codon 1284 of the TET2 protein (p.Ser1284Ala).

NM_001127208.3(TET2):c.3850T>G (p.Ser1284Ala)

Genes: TET2 (tet methylcytosine dioxygenase 2; plus strand), TET2-AS1 (TET2 antisense RNA 1; minus strand). Cytogenetic location: 4q24.
Variant type: single nucleotide variant.
Coding change: c.3850T>G on transcript NM_001127208.3 (MANE Select); coding-DNA position 3850, T replaced by G.
Protein change: p.Ser1284Ala; replaces serine 1284 with alanine.
Molecular consequence: missense variant.
Genome position (GRCh38, 1-based): chr4:105,259,665, T>G. VCF-style: chr4-105259665-T-G. GRCh37 (hg19) VCF-style: chr4-106180822-T-G.
Other names: short protein forms S1284A.
Identifiers: ClinVar variation 1924658 (VCV001924658.3), dbSNP rs1170631037, ClinGen allele CA357807167.